The following is an entry in ClinVar:

ClinVar aggregate classification (germline): Likely benign (1 of 4 stars; one submission).

Allele frequency attached by ClinVar (database versions not stated): gnomAD exomes below 0.00001.
gnomAD v4.1: 1 of 1,613,740 alleles (0.000062%); no homozygotes.

Submission:

Laboratory for Molecular Medicine, Mass General Brigham Personalized Medicine
Classification: Likely benign. Last evaluated: 2015-04-09. Review status: criteria provided, single submitter. Criteria: LMM Criteria. Collection method: clinical testing. Allele origin: germline. Observed: 1 variant allele.
Comment: p.Ile2261Ile in exon 29 of TTN: This variant is not expected to have clinical si gnificance because it does not alter an amino acid residue and is not located wi thin the splice consensus sequence.

NM_001267550.2(TTN):c.6783T>A (p.Ile2261=)

Gene: TTN (titin; minus strand). Cytogenetic location: 2q31.2.
Variant type: single nucleotide variant.
Coding change: c.6783T>A on transcript NM_001267550.2 (MANE Select); coding-DNA position 6783, T replaced by A.
Protein change: p.Ile2261=; no amino-acid change (isoleucine 2261 retained).
Molecular consequence: synonymous variant.
Genome position (GRCh38, 1-based): chr2:178,774,928, A>T on the plus strand (T>A on the coding strand, the complement: TTN is on the minus strand). VCF-style: chr2-178774928-A-T. GRCh37 (hg19) VCF-style: chr2-179639655-A-T.
Other names: c.6783T>A, p.Ile2261= (NM_133378.4, NM_001256850.1, NM_133379.5); c.6645T>A, p.Ile2215= (NM_003319.4, NM_133432.3, NM_133437.4).
Identifiers: ClinVar variation 228142 (VCV000228142.5), dbSNP rs876657614, ClinGen allele CA10576572.